The following is an entry in ClinVar:

ClinVar aggregate classification (germline): Uncertain significance (1 of 4 stars; one submission).

Submission:

Labcorp Genetics (formerly Invitae), Labcorp
Classification: Uncertain significance. Last evaluated: 2023-11-02. Review status: criteria provided, single submitter. Criteria: Invitae Variant Classification Sherloc (09022015). Collection method: clinical testing. Allele origin: germline.
Comment: This sequence change replaces serine, which is neutral and polar, with alanine, which is neutral and non-polar, at codon 3 of the RAI1 protein (p.Ser3Ala). This variant is not present in population databases (gnomAD no frequency). This variant has not been reported in the literature in individuals affected with RAI1-related conditions. Advanced modeling of protein sequence and biophysical properties (such as structural, functional, and spatial information, amino acid conservation, physicochemical variation, residue mobility, and thermodynamic stability) performed at Invitae indicates that this missense variant is expected to disrupt RAI1 protein function with a positive predictive value of 80%. In summary, the available evidence is currently insufficient to determine the role of this variant in disease. Therefore, it has been classified as a Variant of Uncertain Significance.

NM_030665.4(RAI1):c.7T>G (p.Ser3Ala)

Gene: RAI1 (retinoic acid induced 1; plus strand). Cytogenetic location: 17p11.2.
Variant type: single nucleotide variant.
Coding change: c.7T>G on transcript NM_030665.4 (MANE Select); coding-DNA position 7, T replaced by G.
Protein change: p.Ser3Ala; replaces serine 3 with alanine.
Molecular consequence: missense variant.
Genome position (GRCh38, 1-based): chr17:17,792,955, T>G. VCF-style: chr17-17792955-T-G. GRCh37 (hg19) VCF-style: chr17-17696269-T-G.
Other names: short protein forms S3A.
Identifiers: ClinVar variation 2743788 (VCV002743788.3), dbSNP rs2032075366, ClinGen allele CA398544549.